The following is an entry in ClinVar:

NC_000014.8:g.(?_58894347)_(58894375_?)del

Gene: KIAA0586 (KIAA0586; plus strand). Cytogenetic location: 14q23.1.
Variant type: Deletion.
Identifiers: ClinVar variation 1487268 (VCV001487268.4).

ClinVar aggregate classification (germline): Uncertain significance (1 of 4 stars; one submission).

Conditions:
Joubert syndrome 23 (JBTS23). Identifiers: Orphanet 475, MedGen C4084822, MONDO:0014664, OMIM 616490.
Short-rib thoracic dysplasia 14 with polydactyly (SRTD14). Identifiers: Orphanet 397715, MedGen C4225286, MONDO:0014688, OMIM 616546.

Submission:

Labcorp Genetics (formerly Invitae), Labcorp
Classification: Uncertain significance for Joubert syndrome 23; Short-rib thoracic dysplasia 14 with polydactyly. Last evaluated: 2021-11-05. Review status: criteria provided, single submitter. Criteria: Invitae Variant Classification Sherloc (09022015). Collection method: clinical testing. Allele origin: germline.
Comment: In summary, the available evidence is currently insufficient to determine the role of this variant in disease. Therefore, it has been classified as a Variant of Uncertain Significance. This variant has not been reported in the literature in individuals affected with KIAA0586-related conditions. This variant is a gross deletion of the genomic region encompassing exon(s) 1 of the KIAA0586 gene, which includes the initiator codon. This deletion extends beyond the assayed region for this gene and therefore may encompass additional genes. However, it is currently unclear if variants that occur in this region of the gene cause disease.